The following is an entry in ClinVar:

ClinVar aggregate classification (germline): Uncertain significance (1 of 4 stars; one submission).

Submission:

Women's Health and Genetics/Laboratory Corporation of America, LabCorp
Classification: Uncertain significance. Last evaluated: 2024-10-17. Review status: criteria provided, single submitter. Criteria: LabCorp Variant Classification Summary - May 2015. Collection method: clinical testing. Allele origin: germline.
Comment: Variant summary: GJC2 c.995delinsCC (p.Asp332AlafsX16) results in a premature termination codon in the last exon, predicted to cause a truncation of the encoded protein, however, nonsense mediated decay is not expected to occur. The variant was absent in 90722 control chromosomes. The available data on variant occurrences in the general population are insufficient to allow any conclusion about variant significance. To our knowledge, no occurrence of c.995delinsCC in individuals affected with Hypomyelinating Leukodystrophy 2 and no experimental evidence demonstrating its impact on protein function have been reported. No submitters have cited clinical-significance assessments for this variant to ClinVar. Based on the evidence outlined above, the variant was classified as uncertain significance.

NM_020435.4(GJC2):c.995delinsCC (p.Asp332fs)

Gene: GJC2 (gap junction protein gamma 2; plus strand). Cytogenetic location: 1q42.13.
Variant type: Indel.
Coding change: c.995delinsCC on transcript NM_020435.4 (MANE Select); coding-DNA position 995, A replaced by CC.
Protein change: p.Asp332fs; shifts the reading frame from aspartic acid 332.
Molecular consequence: frameshift variant.
Genome position (GRCh38, 1-based): chr1:228,158,753, A replaced by CC. VCF-style: chr1-228158753-A-CC. GRCh37 (hg19) VCF-style: chr1-228346454-A-CC.
Other names: short protein forms D332fs.
Identifiers: ClinVar variation 3385212 (VCV003385212.1).
Genomic context (GRCh38, chr1:228,158,753, plus strand): 5'-CGCCGCGGCCCCCGCCCTGCGCCTTCCCTGCGGCGGCCGCTGGCTTGGCCTGCCCGCCCG[A>CC]CTACAGCCTGGTGGTGCGGGCGGCCGAGCGCGCTCGGGCGCATGACCAGAACCTGGCAAA-3'